The following is an entry in ClinVar:

ClinVar aggregate classification (germline): Pathogenic (1 of 4 stars; one submission).

Conditions:
Autosomal recessive congenital ichthyosis 1 (LI1). Also called: COLLODION FETUS; DESQUAMATION OF NEWBORN; ICHTHYOSIS CONGENITA; ICHTHYOSIS CONGENITA II; LAMELLAR EXFOLIATION OF NEWBORN; ICHTHYOSIS, CONGENITAL, AUTOSOMAL RECESSIVE 1, WITH BATHING SUIT DISTRIBUTION. Identifiers: MedGen C4551630, MONDO:0009441, OMIM 242300.

Submission:

Myriad Genetics, Inc.
Classification: Pathogenic for Autosomal recessive congenital ichthyosis 1. Last evaluated: 2023-09-27. Review status: criteria provided, single submitter. Criteria: Myriad Autosomal Dominant, Autosomal Recessive and X-Linked Classification Criteria (2023). Collection method: clinical testing. Allele origin: unknown.
Comment: NM_000359.2(TGM1):c.341dupG(V115Cfs*21) is expected to be pathogenic in the context of TGM1-related autosomal recessive congenital ichthyosis. This variant is predicted to lead to an abnormal or absent protein product due to the creation of a premature termination codon in TGM1, a gene where loss-of-function variants are known to be pathogenic. Please note: this variant was assessed in the context of healthy population screening.

NM_000359.3(TGM1):c.341dup (p.Val115fs)

Gene: TGM1 (transglutaminase 1; minus strand). Cytogenetic location: 14q12.
Variant type: Duplication.
Coding change: c.341dup on transcript NM_000359.3 (MANE Select); coding-DNA position 341, one base duplicated (G; older notation c.341dupG).
Protein change: p.Val115fs; shifts the reading frame from valine 115.
Molecular consequence: frameshift variant.
Genome position (GRCh38, 1-based): chr14:24,261,862, C duplicated on the plus strand (G on the coding strand, the reverse complement: TGM1 is on the minus strand); the first of 2 consecutive C bases (chr14:24,261,862-24,261,863); duplicating either gives the same sequence. VCF-style (leftmost placement, unchanged base first): chr14-24261861-A-AC. GRCh37 (hg19) VCF-style: chr14-24731067-A-AC.
Other names: short protein forms V115fs.
Identifiers: ClinVar variation 5011788 (VCV005011788.1).